The following is an entry in ClinVar:

ClinVar aggregate classification (germline): Uncertain significance (1 of 4 stars; one submission).

Conditions:
Hyper-IgE recurrent infection syndrome 3, autosomal recessive. Also called: Autosomal recessive hyper-IgE syndrome due to ZNF341 deficiency; HYPER-IgE SYNDROME 3, AUTOSOMAL RECESSIVE, WITH RECURRENT INFECTIONS. Identifiers: Orphanet 641368, MedGen C4748969, MONDO:0032654, OMIM 618282.

Allele frequency attached by ClinVar (database versions not stated): TOPMed 0.00002; ExAC 0.00003; gnomAD 0.00003 and 0.00004; gnomAD exomes 0.00003; ESP Exome Variant Server 0.00015.

Submission:

Labcorp Genetics (formerly Invitae), Labcorp
Classification: Uncertain significance for Combined immunodeficiency due to DOCK8 deficiency. Last evaluated: 2020-12-17. Review status: criteria provided, single submitter. Criteria: Invitae Variant Classification Sherloc (09022015). Collection method: clinical testing. Allele origin: germline.
Comment: In summary, the available evidence is currently insufficient to determine the role of this variant in disease. Therefore, it has been classified as a Variant of Uncertain Significance. Nucleotide substitutions within the consensus splice site are a relatively common cause of aberrant splicing (PMID: 17576681, 9536098). Algorithms developed to predict the effect of sequence changes on RNA splicing suggest that this variant is not likely to affect RNA splicing, but this prediction has not been confirmed by published transcriptional studies. This variant has not been reported in the literature in individuals with DOCK8-related conditions. This variant is present in population databases (rs372486315, ExAC 0.006%). This sequence change falls in intron 10 of the DOCK8 gene. It does not directly change the encoded amino acid sequence of the DOCK8 protein. It affects a nucleotide within the consensus splice site of the intron.

Literature cited by the submitters: PubMed 17576681; PubMed 9536098.

NM_203447.4(DOCK8):c.1126-3C>T

Gene: DOCK8 (dedicator of cytokinesis 8; plus strand). Cytogenetic location: 9p24.3.
Variant type: single nucleotide variant.
Coding change: c.1126-3C>T on transcript NM_203447.4 (MANE Select); 3 bases into the intron before coding-DNA position 1126, C replaced by T.
Molecular consequence: intron variant.
Genome position (GRCh38, 1-based): chr9:334,222, C>T. VCF-style: chr9-334222-C-T. GRCh37 (hg19) VCF-style: chr9-334222-C-T.
Other names: c.922-3C>T (NM_001193536.2, NM_001190458.2).
Identifiers: ClinVar variation 1494182 (VCV001494182.4), dbSNP rs372486315, ClinGen allele CA4957631.